The following is an entry in ClinVar:

NM_002240.5(KCNJ6):c.690C>T (p.Ser230=)

Genes: KCNJ6 (potassium inwardly rectifying channel subfamily J member 6; minus strand), KCNJ6-AS1 (KCNJ6 antisense RNA 1; plus strand). Cytogenetic location: 21q22.13.
Variant type: single nucleotide variant.
Coding change: c.690C>T on transcript NM_002240.5 (MANE Select); coding-DNA position 690, C replaced by T.
Protein change: p.Ser230=; no amino-acid change (serine 230 retained).
Molecular consequence: synonymous variant. On other transcripts: non-coding transcript variant (1).
Genome position (GRCh38, 1-based): chr21:37,714,467, G>A on the plus strand (C>T on the coding strand, the complement: KCNJ6 is on the minus strand). VCF-style: chr21-37714467-G-A. GRCh37 (hg19) VCF-style: chr21-39086770-G-A.
Identifiers: ClinVar variation 3043374 (VCV003043374.2), dbSNP rs1305640113, ClinGen allele CA512334284.
Genomic context (GRCh38, chr21:37,714,467, plus strand): 5'-CCCCTCCGAGGTCTGTTTGGATTTGATCAACTTGGCTCTGATGGAAGCCTCCACAATGTG[G>A]GAATTCCTAAGGTCCCCTACCCGGAACATCAGGCACAGTTTCCCATCCCGCATGGAGATC-3'
Protein context (NP_002231.1, residues 220-240): LMFRVGDLRN[Ser230=]HIVEASIRAK

ClinVar aggregate classification (germline): Likely benign (0 of 4 stars; one submission).

Conditions:
KCNJ6-related disorder. Also called: KCNJ6-related condition.

Allele frequency attached by ClinVar (database versions not stated): gnomAD exomes below 0.00001; TOPMed below 0.00001; gnomAD 0.00001.
gnomAD v4.1: 3 of 1,614,042 alleles (0.00019%); highest among the groups gnomAD compares: Non-Finnish European, 0.00025%; no homozygotes.

Submission:

PreventionGenetics, part of Exact Sciences
Classification: Likely benign for KCNJ6-related condition. Last evaluated: 2024-01-17. Review status: no assertion criteria provided. Collection method: clinical testing. Allele origin: germline.
Comment: This variant is classified as likely benign based on ACMG/AMP sequence variant interpretation guidelines (Richards et al. 2015 PMID: 25741868, with internal and published modifications).